The following is an entry in ClinVar:

ClinVar aggregate classification (germline): Uncertain significance (1 of 4 stars; one submission).

Conditions:
Dilated cardiomyopathy 1AA (CMD1AA). Also called: CARDIOMYOPATHY, DILATED, 1AA, WITH OR WITHOUT LEFT VENTRICULAR NONCOMPACTION; CARDIOMYOPATHY, FAMILIAL HYPERTROPHIC, 23, WITH OR WITHOUT LEFT VENTRICULAR NONCOMPACTION; Cardiomyopathy, dilated, 1AA, with or without LVNC. Identifiers: Orphanet 154, MedGen C2677338, MONDO:0012808, OMIM 612158.
Primary familial hypertrophic cardiomyopathy (HCM). Identifiers: Orphanet 99739, MedGen C0949658, MeSH D024741, MONDO:0024573. Inheritance: Various modes of inheritance.

Submission:

Labcorp Genetics (formerly Invitae), Labcorp
Classification: Uncertain significance for Primary familial hypertrophic cardiomyopathy; Dilated cardiomyopathy 1AA. Last evaluated: 2025-03-14. Review status: criteria provided, single submitter. Criteria: Invitae Variant Classification Sherloc (09022015). Collection method: clinical testing. Allele origin: germline.
Comment: This sequence change replaces proline, which is neutral and non-polar, with arginine, which is basic and polar, at codon 6 of the ACTN2 protein (p.Pro6Arg). This variant is not present in population databases (gnomAD no frequency). This variant has not been reported in the literature in individuals affected with ACTN2-related conditions. ClinVar contains an entry for this variant (Variation ID: 1436080). An algorithm developed to predict the effect of missense changes on protein structure and function (PolyPhen-2) suggests that this variant is likely to be tolerated. In summary, the available evidence is currently insufficient to determine the role of this variant in disease. Therefore, it has been classified as a Variant of Uncertain Significance.

NM_001103.4(ACTN2):c.17C>G (p.Pro6Arg)

Gene: ACTN2 (actinin alpha 2; plus strand). Cytogenetic location: 1q43.
Variant type: single nucleotide variant.
Coding change: c.17C>G on transcript NM_001103.4 (MANE Select); coding-DNA position 17, C replaced by G.
Protein change: p.Pro6Arg; replaces proline 6 with arginine.
Molecular consequence: missense variant. On other transcripts: 5 prime UTR variant (1).
Genome position (GRCh38, 1-based): chr1:236,686,690, C>G. VCF-style: chr1-236686690-C-G. GRCh37 (hg19) VCF-style: chr1-236849990-C-G.
Other names: c.17C>G, p.Pro6Arg (NM_001278343.2); c.-805C>G (NM_001278344.2); short protein forms P6R.
Identifiers: ClinVar variation 1436080 (VCV001436080.8), dbSNP rs2102851212, ClinGen allele CA345358086.